The following is an entry in ClinVar:

NM_000219.6(KCNE1):c.64C>A (p.Gln22Lys)

Gene: KCNE1 (potassium voltage-gated channel subfamily E regulatory subunit 1; minus strand). Cytogenetic location: 21q22.12.
Variant type: single nucleotide variant.
Coding change: c.64C>A on transcript NM_000219.6 (MANE Select); coding-DNA position 64, C replaced by A.
Protein change: p.Gln22Lys; replaces glutamine 22 with lysine.
Molecular consequence: missense variant.
Genome position (GRCh38, 1-based): chr21:34,449,571, G>T on the plus strand (C>A on the coding strand, the complement: KCNE1 is on the minus strand). VCF-style: chr21-34449571-G-T. GRCh37 (hg19) VCF-style: chr21-35821869-G-T.
Other names: c.64C>A, p.Gln22Lys (NM_001127668.4, NM_001127669.4, NM_001127670.4 and 4 more transcripts); short protein forms Q22K.
Identifiers: ClinVar variation 3373947 (VCV003373947.2).
Genomic context (GRCh38, chr21:34,449,571, plus strand): 5'-GCTTGCCGTCACTGCTGCGGGGGGACCTGCGGGCCAGGCCCGACATGTTGCCACCCTGCT[G>T]AACTGTCTCCTGCCACAGCTTGGTCAGAAAGGGCGTCACCGCTGTGGTGTTAGACAGGAT-3'
Protein context (NP_000210.2, residues 12-32): FLTKLWQETV[Gln22Lys]QGGNMSGLAR

Conditions:
Long QT syndrome 5 (LQT5). Identifiers: Orphanet 101016, Orphanet 768, MedGen C1867904, MONDO:0013372, OMIM 613695.

Submission:

Roden Lab, Vanderbilt University Medical Center
No classification provided (evidence only). Condition: Long QT syndrome 5. Review status: no classification provided. Collection method: in vitro. Allele origin: not applicable. Functional consequence: Effect on ion channel function.
ClinVar note: "not provided" was previously submitted as the classification for the variant. However, the classification appeared to be based only on an observation of functional data so it was converted to no classification on 2025-07-30.